The following is an entry in ClinVar:

NM_001134831.2(AHI1):c.2373+1G>A

Gene: AHI1 (Abelson helper integration site 1; minus strand). Cytogenetic location: 6q23.3.
Variant type: single nucleotide variant.
Coding change: c.2373+1G>A on transcript NM_001134831.2 (MANE Select); the canonical splice donor site of the intron after coding-DNA position 2373, G replaced by A.
Molecular consequence: splice donor variant.
Genome position (GRCh38, 1-based): chr6:135,431,207, C>T on the plus strand (G>A on the coding strand, the complement: AHI1 is on the minus strand). VCF-style: chr6-135431207-C-T. GRCh37 (hg19) VCF-style: chr6-135752345-C-T.
Other names: c.2373+1G>A (NM_001134830.2, NM_001350503.2, NM_017651.5 and 2 more transcripts).
Identifiers: ClinVar variation 4751611 (VCV004751611.1).

ClinVar aggregate classification (germline): Likely pathogenic (1 of 4 stars; one submission).

Conditions:
Joubert syndrome. Also called: CEREBELLOPARENCHYMAL DISORDER IV; JOUBERT-BOLTSHAUSER SYNDROME; Familial aplasia of the vermis. Identifiers: Orphanet 475, MedGen C5979921, MONDO:0018772.

Submission:

Labcorp Genetics (formerly Invitae), Labcorp
Classification: Likely pathogenic for Joubert syndrome. Last evaluated: 2025-11-24. Review status: criteria provided, single submitter. Criteria: Invitae Variant Classification Sherloc (09022015). Collection method: clinical testing. Allele origin: germline.
Comment: This sequence change affects a donor splice site in intron 16 of the AHI1 gene. It is expected to disrupt RNA splicing. Variants that disrupt the donor or acceptor splice site typically lead to a loss of protein function (PMID: 16199547), and loss-of-function variants in AHI1 are known to be pathogenic (PMID: 15322546, 16453322, 28442542, 29186038). This variant is not present in population databases (gnomAD no frequency). This variant has not been reported in the literature in individuals affected with AHI1-related conditions. Algorithms developed to predict the effect of sequence changes on RNA splicing suggest that this variant may disrupt the consensus splice site. In summary, the currently available evidence indicates that the variant is pathogenic, but additional data are needed to prove that conclusively. Therefore, this variant has been classified as Likely Pathogenic.

Literature cited by the submitters: PubMed 16199547; PubMed 15322546; PubMed 16453322; PubMed 28442542; PubMed 29186038.